The following is an entry in ClinVar:

ClinVar aggregate classification (germline): Uncertain significance (1 of 4 stars; one submission).

Submission:

GeneDx
Classification: Uncertain significance. Last evaluated: 2025-07-30. Review status: criteria provided, single submitter. Criteria: GeneDx Variant Classification Process June 2021. Collection method: clinical testing. Allele origin: germline. Affected: yes.
Comment: Not observed at significant frequency in large population cohorts (gnomAD); In silico analysis supports that this missense variant has a deleterious effect on protein structure/function; Has not been previously published as pathogenic or benign to our knowledge

NM_000384.3(APOB):c.5938A>C (p.Thr1980Pro)

Gene: APOB (apolipoprotein B; minus strand). Cytogenetic location: 2p24.1.
Variant type: single nucleotide variant.
Coding change: c.5938A>C on transcript NM_000384.3 (MANE Select); coding-DNA position 5938, A replaced by C.
Protein change: p.Thr1980Pro; replaces threonine 1980 with proline.
Molecular consequence: missense variant.
Genome position (GRCh38, 1-based): chr2:21,010,930, T>G on the plus strand (A>C on the coding strand, the complement: APOB is on the minus strand). VCF-style: chr2-21010930-T-G. GRCh37 (hg19) VCF-style: chr2-21233802-T-G.
Other names: short protein forms T1980P.
Identifiers: ClinVar variation 4689941 (VCV004689941.1).